The following is an entry in ClinVar:

NM_004304.5(ALK):c.3018C>A (p.Cys1006Ter)

Gene: ALK (ALK receptor tyrosine kinase; minus strand). Cytogenetic location: 2p23.2.
Variant type: single nucleotide variant.
Coding change: c.3018C>A on transcript NM_004304.5 (MANE Select); coding-DNA position 3018, C replaced by A.
Protein change: p.Cys1006Ter; replaces cysteine 1006 with a stop codon.
Molecular consequence: nonsense.
Genome position (GRCh38, 1-based): chr2:29,226,971, G>T on the plus strand (C>A on the coding strand, the complement: ALK is on the minus strand). VCF-style: chr2-29226971-G-T. GRCh37 (hg19) VCF-style: chr2-29449837-G-T.
Other names: short protein forms C1006*.
Identifiers: ClinVar variation 3638781 (VCV003638781.2).

ClinVar aggregate classification (germline): Uncertain significance (1 of 4 stars; one submission).

Conditions:
Neuroblastoma, susceptibility to, 3. Also called: ALK-Related Neuroblastic Tumor Susceptibility. Identifiers: Orphanet 635, MedGen C2751681, MONDO:0013083, OMIM 613014.

Submission:

Labcorp Genetics (formerly Invitae), Labcorp
Classification: Uncertain significance for Neuroblastoma, susceptibility to, 3. Last evaluated: 2024-02-04. Review status: criteria provided, single submitter. Criteria: Invitae Variant Classification Sherloc (09022015). Collection method: clinical testing. Allele origin: germline.
Comment: This sequence change creates a premature translational stop signal (p.Cys1006*) in the ALK gene. It is expected to result in an absent or disrupted protein product. However, the current clinical and genetic evidence is not sufficient to establish whether loss-of-function variants in ALK cause disease. This variant is not present in population databases (gnomAD no frequency). This variant has not been reported in the literature in individuals affected with ALK-related conditions. In summary, the available evidence is currently insufficient to determine the role of this variant in disease. Therefore, it has been classified as a Variant of Uncertain Significance.